The following is an entry in ClinVar:

ClinVar aggregate classification (germline): Uncertain significance. Review status: criteria provided, multiple submitters, no conflicts (2 of 4 stars). 3 submissions from 3 submitters: Uncertain significance (3). Last evaluated 2026-06-25.

Conditions:
ANK1-related disorder. Also called: ANK1-related condition.

Allele frequency attached by ClinVar (database versions not stated): TOPMed 0.00001; gnomAD 0.00003; gnomAD exomes 0.00003; ExAC 0.00007; 1000 Genomes Project 30x 0.00016; 1000 Genomes Project 0.00020.
gnomAD v4.1: 43 of 1,614,128 alleles (0.0027%); highest among the groups gnomAD compares: South Asian, 0.041%; no homozygotes.

Submissions (3):

PreventionGenetics, part of Exact Sciences
Classification: Uncertain significance for ANK1-related condition. Last evaluated: 2026-06-25. Review status: criteria provided, single submitter. Criteria: ACMG Guidelines, 2015. Collection method: clinical testing. Allele origin: germline.
Comment: The ANK1 c.5458G>A variant is predicted to result in the amino acid substitution p.Gly1820Ser. To our knowledge, this variant has not been reported in the literature. This variant is reported in 0.039% of alleles in individuals of South Asian descent in gnomAD. At this time, the clinical significance of this variant is uncertain due to the absence of conclusive functional and genetic evidence.

Labcorp Genetics (formerly Invitae), Labcorp
Classification: Uncertain significance. Last evaluated: 2025-08-07. Review status: criteria provided, single submitter. Criteria: Invitae Variant Classification Sherloc (09022015). Collection method: clinical testing. Allele origin: germline.
Comment: This sequence change replaces glycine, which is neutral and non-polar, with serine, which is neutral and polar, at codon 1820 of the ANK1 protein (p.Gly1820Ser). This variant is present in population databases (rs528332130, gnomAD 0.04%). This variant has not been reported in the literature in individuals affected with ANK1-related conditions. ClinVar contains an entry for this variant (Variation ID: 1938233). An algorithm developed to predict the effect of missense changes on protein structure and function (PolyPhen-2) suggests that this variant is likely to be disruptive. In summary, the available evidence is currently insufficient to determine the role of this variant in disease. Therefore, it has been classified as a Variant of Uncertain Significance.

GeneDx
Classification: Uncertain significance. Last evaluated: 2024-11-19. Review status: criteria provided, single submitter. Criteria: GeneDx Variant Classification Process June 2021. Collection method: clinical testing. Allele origin: germline. Affected: yes.
Comment: In silico analysis supports that this missense variant has a deleterious effect on protein structure/function; Has not been previously published as pathogenic or benign to our knowledge

NM_000037.4(ANK1):c.5458G>A (p.Gly1820Ser)

Gene: ANK1 (ankyrin 1; minus strand). Cytogenetic location: 8p11.21.
Variant type: single nucleotide variant.
Coding change: c.5458G>A on transcript NM_000037.4 (MANE Select); coding-DNA position 5458, G replaced by A.
Protein change: p.Gly1820Ser; replaces glycine 1820 with serine.
Molecular consequence: missense variant.
Genome position (GRCh38, 1-based): chr8:41,663,679, C>T on the plus strand (G>A on the coding strand, the complement: ANK1 is on the minus strand). VCF-style: chr8-41663679-C-T. GRCh37 (hg19) VCF-style: chr8-41521197-C-T.
Other names: c.5458G>A (NM_000037.3, NM_020476.2); c.283G>A, p.Gly95Ser (NM_001142445.2, NM_020478.5, NM_020480.5); c.5581G>A, p.Gly1861Ser (NM_001142446.2); c.5458G>A, p.Gly1820Ser (NM_020475.3, NM_020476.3); c.4972G>A, p.Gly1658Ser (NM_020477.3); short protein forms G1820S, G1658S, G1861S, G95S.
Identifiers: ClinVar variation 1938233 (VCV001938233.7), dbSNP rs528332130, ClinGen allele CA4727183.